The following is an entry in ClinVar:

ClinVar aggregate classification (germline): Benign/Likely benign. Review status: criteria provided, multiple submitters, no conflicts (2 of 4 stars). 3 submissions from 3 submitters: Benign (1); Likely benign (2). Last evaluated 2024-07-30.

Allele frequency attached by ClinVar (database versions not stated): gnomAD 0.00003; gnomAD exomes 0.00003; TOPMed 0.00004; ExAC 0.00024.
gnomAD v4.1: 51 of 1,547,440 alleles (0.0033%); highest among the groups gnomAD compares: East Asian, 0.061%; 1 homozygote.

Submissions (3):

Labcorp Genetics (formerly Invitae), Labcorp
Classification: Benign. Last evaluated: 2024-07-30. Review status: criteria provided, single submitter. Criteria: Invitae Variant Classification Sherloc (09022015). Collection method: clinical testing. Allele origin: germline.

CeGaT Center for Human Genetics Tuebingen
Classification: Likely benign. Last evaluated: 2023-04-01. Review status: criteria provided, single submitter. Criteria: CeGaT Center For Human Genetics Tuebingen Variant Classification Criteria Version 2. Collection method: clinical testing. Allele origin: germline. Affected: yes. Observed: 1 variant allele.
Comment: TELO2: BP4, BP7

Blueprint Genetics
Classification: Likely benign. Last evaluated: 2022-09-16. Review status: criteria provided, single submitter. Criteria: ACMG Guidelines, 2015. Collection method: clinical testing. Allele origin: germline.

NM_016111.4(TELO2):c.696C>T (p.Gly232=)

Gene: TELO2 (telomere maintenance 2; plus strand). Cytogenetic location: 16p13.3.
Variant type: single nucleotide variant.
Coding change: c.696C>T on transcript NM_016111.4 (MANE Select); coding-DNA position 696, C replaced by T.
Protein change: p.Gly232=; no amino-acid change (glycine 232 retained).
Molecular consequence: synonymous variant.
Genome position (GRCh38, 1-based): chr16:1,497,374, C>T. VCF-style: chr16-1497374-C-T. GRCh37 (hg19) VCF-style: chr16-1547375-C-T.
Other names: c.696C>T, p.Gly232= (NM_001351846.2).
Identifiers: ClinVar variation 2066957 (VCV002066957.29), dbSNP rs779643431, ClinGen allele CA7811766.